The following is an entry in ClinVar:

NM_000138.5(FBN1):c.8009A>T (p.Tyr2670Phe)

Gene: FBN1 (fibrillin 1; minus strand). Cytogenetic location: 15q21.1.
Variant type: single nucleotide variant.
Coding change: c.8009A>T on transcript NM_000138.5 (MANE Select); coding-DNA position 8009, A replaced by T.
Protein change: p.Tyr2670Phe; replaces tyrosine 2670 with phenylalanine.
Molecular consequence: missense variant.
Genome position (GRCh38, 1-based): chr15:48,415,578, T>A on the plus strand (A>T on the coding strand, the complement: FBN1 is on the minus strand). VCF-style: chr15-48415578-T-A. GRCh37 (hg19) VCF-style: chr15-48707775-T-A.
Other names: short protein forms Y2670F.
Identifiers: ClinVar variation 1401667 (VCV001401667.8), dbSNP rs794728339, ClinGen allele CA392322669.

ClinVar aggregate classification (germline): Uncertain significance (1 of 4 stars; one submission).

Conditions:
Marfan syndrome (MFS). Also called: Marfan syndrome type 1; Marfan's syndrome; FBN1-Related Marfan Syndrome; MARFAN SYNDROME, TYPE I; Marfan syndrome, classic. Identifiers: Orphanet 284963, Orphanet 558, MedGen C0024796, MONDO:0007947, OMIM 154700.
Familial thoracic aortic aneurysm and aortic dissection (TAAD). Also called: Thoracic aortic aneurysms and dissections. Identifiers: Orphanet 91387, MedGen C4707243, MONDO:0019625.

Submission:

Labcorp Genetics (formerly Invitae), Labcorp
Classification: Uncertain significance for Marfan syndrome; Familial thoracic aortic aneurysm and aortic dissection. Last evaluated: 2021-01-02. Review status: criteria provided, single submitter. Criteria: Invitae Variant Classification Sherloc (09022015). Collection method: clinical testing. Allele origin: germline.
Comment: Algorithms developed to predict the effect of missense changes on protein structure and function are either unavailable or do not agree on the potential impact of this missense change (SIFT: "Deleterious"; PolyPhen-2: "Probably Damaging"; Align-GVGD: "Class C0"). This variant has not been reported in the literature in individuals with FBN1-related conditions. This variant is not present in population databases (ExAC no frequency). This sequence change replaces tyrosine with phenylalanine at codon 2670 of the FBN1 protein (p.Tyr2670Phe). The tyrosine residue is highly conserved and there is a small physicochemical difference between tyrosine and phenylalanine. In summary, the available evidence is currently insufficient to determine the role of this variant in disease. Therefore, it has been classified as a Variant of Uncertain Significance.